The following is an entry in ClinVar:

ClinVar aggregate classification (germline): Conflicting classifications of pathogenicity. Review status: criteria provided, conflicting classifications (1 of 4 stars). 2 submissions from 2 submitters: Pathogenic (1); Uncertain significance (1). Last evaluated 2024-12-02.

Conditions:
Torsion dystonia 6 (DYT6). Also called: DYT-THAP1. Identifiers: Orphanet 98806, MedGen C1414216, MONDO:0011264, OMIM 602629.

Allele frequency attached by ClinVar (database versions not stated): gnomAD exomes below 0.00001.
gnomAD v4.1: 1 of 1,613,872 alleles (0.000062%); highest among the groups gnomAD compares: Non-Finnish European, 0.000085%; no homozygotes.

Submissions (2):

Labcorp Genetics (formerly Invitae), Labcorp
Classification: Uncertain significance for Torsion dystonia 6. Last evaluated: 2024-12-02. Review status: criteria provided, single submitter. Criteria: Invitae Variant Classification Sherloc (09022015). Collection method: clinical testing. Allele origin: germline.
Comment: This sequence change replaces serine, which is neutral and polar, with phenylalanine, which is neutral and non-polar, at codon 4 of the THAP1 protein (p.Ser4Phe). This variant is not present in population databases (gnomAD no frequency). This missense change has been observed in individuals with dystonia (PMID: 33949708; internal data). ClinVar contains an entry for this variant (Variation ID: 1804072). An algorithm developed to predict the effect of missense changes on protein structure and function (PolyPhen-2) suggests that this variant is likely to be disruptive. In summary, the available evidence is currently insufficient to determine the role of this variant in disease. Therefore, it has been classified as a Variant of Uncertain Significance.

Institute of Human Genetics Munich, TUM University Hospital
Classification: Pathogenic for Torsion dystonia 6. Last evaluated: 2020-11-03. Review status: criteria provided, single submitter. Criteria: Classification criteria August 2017. Collection method: clinical testing. Allele origin: germline. Inheritance: Autosomal dominant inheritance. Affected: yes. Observed: 1 variant allele.

Literature cited by the submitters: PubMed 33949708 (cited by Labcorp Genetics (formerly Invitae), Labcorp).

NM_018105.3(THAP1):c.11C>T (p.Ser4Phe)

Gene: THAP1 (THAP domain containing 1; minus strand). Cytogenetic location: 8p11.21.
Variant type: single nucleotide variant.
Coding change: c.11C>T on transcript NM_018105.3 (MANE Select); coding-DNA position 11, C replaced by T.
Protein change: p.Ser4Phe; replaces serine 4 with phenylalanine.
Molecular consequence: missense variant.
Genome position (GRCh38, 1-based): chr8:42,843,084, G>A on the plus strand (C>T on the coding strand, the complement: THAP1 is on the minus strand). VCF-style: chr8-42843084-G-A. GRCh37 (hg19) VCF-style: chr8-42698227-G-A.
Other names: c.11C>T, p.Ser4Phe (NM_199003.2); short protein forms S4F.
Identifiers: ClinVar variation 1804072 (VCV001804072.3), dbSNP rs2487042279, ClinGen allele CA371109555.